The following is an entry in ClinVar:

NM_001267550.2(TTN):c.100105C>T (p.Gln33369Ter)

Genes: TTN-AS1 (TTN antisense RNA 1; plus strand), TTN (titin; minus strand), LOC126806420 (BRD4-independent group 4 enhancer GRCh37_chr2:179401104-179402303; plus strand). Cytogenetic location: 2q31.2.
Variant type: single nucleotide variant.
Coding change: c.100105C>T on transcript NM_001267550.2 (MANE Select); coding-DNA position 100105, C replaced by T.
Protein change: p.Gln33369Ter; replaces glutamine 33369 with a stop codon.
Molecular consequence: nonsense.
Genome position (GRCh38, 1-based): chr2:178,537,004, G>A on the plus strand (C>T on the coding strand, the complement: TTN is on the minus strand). VCF-style: chr2-178537004-G-A. GRCh37 (hg19) VCF-style: chr2-179401731-G-A.
Other names: c.95182C>T, p.Gln31728Ter (NM_001256850.1); c.72910C>T, p.Gln24304Ter (NM_003319.4); c.92401C>T, p.Gln30801Ter (NM_133378.4); c.73285C>T, p.Gln24429Ter (NM_133432.3); c.73486C>T, p.Gln24496Ter (NM_133437.4); short protein forms Q33369*, Q24429*, Q31728*, Q24304*, Q30801*, Q24496*.
Identifiers: ClinVar variation 466631 (VCV000466631.10), dbSNP rs1553503201, ClinGen allele CA349426757.

ClinVar aggregate classification (germline): Likely pathogenic (1 of 4 stars; one submission).

Conditions:
Autosomal recessive limb-girdle muscular dystrophy type 2J (LGMDR10). Also called: Limb-girdle muscular dystrophy, type 2J; MUSCULAR DYSTROPHY, LIMB-GIRDLE, AUTOSOMAL RECESSIVE 10. Identifiers: Orphanet 140922, MedGen C1837342, MONDO:0012127, OMIM 608807.
Dilated cardiomyopathy 1G (CMD1G). Identifiers: Orphanet 154, MedGen C1858763, MONDO:0011400, OMIM 604145.

Submission:

Labcorp Genetics (formerly Invitae), Labcorp
Classification: Likely pathogenic for Dilated cardiomyopathy 1G; Autosomal recessive limb-girdle muscular dystrophy type 2J. Last evaluated: 2022-09-01. Review status: criteria provided, single submitter. Criteria: Invitae Variant Classification Sherloc (09022015). Collection method: clinical testing. Allele origin: germline.
Comment: This variant is located in the A band of TTN (PMID: 25589632). Truncating variants in this region are significantly overrepresented in patients affected with dilated cardiomyopathy (PMID: 25589632). Truncating variants in this region have also been reported in individuals affected with autosomal recessive centronuclear myopathy (PMID: 23975875). In summary, the currently available evidence indicates that the variant is pathogenic, but additional data are needed to prove that conclusively. Therefore, this variant has been classified as Likely Pathogenic. This variant has not been reported in the literature in individuals affected with TTN-related conditions. ClinVar contains an entry for this variant (Variation ID: 466631). This sequence change creates a premature translational stop signal (p.Gln33369*) in the TTN gene. While this is not anticipated to result in nonsense mediated decay, it is expected to create a truncated TTN protein. This variant is not present in population databases (gnomAD no frequency).

Literature cited by the submitters: PubMed 25589632; PubMed 23975875.